The following is an entry in ClinVar:

NM_033026.6(PCLO):c.1771C>T (p.Leu591Phe)

Gene: PCLO (piccolo presynaptic cytomatrix protein; minus strand). Cytogenetic location: 7q21.11.
Variant type: single nucleotide variant.
Coding change: c.1771C>T on transcript NM_033026.6 (MANE Select); coding-DNA position 1771, C replaced by T.
Protein change: p.Leu591Phe; replaces leucine 591 with phenylalanine.
Molecular consequence: missense variant.
Genome position (GRCh38, 1-based): chr7:83,154,870, G>A on the plus strand (C>T on the coding strand, the complement: PCLO is on the minus strand). VCF-style: chr7-83154870-G-A. GRCh37 (hg19) VCF-style: chr7-82784186-G-A.
Other names: c.1771C>T, p.Leu591Phe (NM_014510.3); short protein forms L591F.
Identifiers: ClinVar variation 1334046 (VCV001334046.5), dbSNP rs185699361, ClinGen allele CA4321390.

ClinVar aggregate classification (germline): Uncertain significance. Review status: criteria provided, multiple submitters, no conflicts (2 of 4 stars). 2 submissions from 2 submitters: Uncertain significance (2). Last evaluated 2023-12-30.

Conditions:
Pontocerebellar hypoplasia type 3 (PCH3). Also called: CEREBELLAR ATROPHY WITH PROGRESSIVE MICROCEPHALY; PCH WITH OPTIC ATROPHY. Identifiers: Orphanet 97249, MedGen C1842687, MONDO:0011948, OMIM 608027.

Allele frequency attached by ClinVar (database versions not stated): gnomAD exomes 0.00021 and 0.00042; ExAC 0.00025; TOPMed 0.00027; 1000 Genomes Project 30x 0.00031; gnomAD 0.00032 and 0.00033; 1000 Genomes Project 0.00040; ESP Exome Variant Server 0.00057.
gnomAD v4.1: 656 of 1,614,072 alleles (0.041%); highest among the groups gnomAD compares: Non-Finnish European, 0.052%; no homozygotes.

Submissions (2):

Labcorp Genetics (formerly Invitae), Labcorp
Classification: Uncertain significance. Last evaluated: 2023-12-30. Review status: criteria provided, single submitter. Criteria: Invitae Variant Classification Sherloc (09022015). Collection method: clinical testing. Allele origin: germline.
Comment: This sequence change replaces leucine, which is neutral and non-polar, with phenylalanine, which is neutral and non-polar, at codon 591 of the PCLO protein (p.Leu591Phe). This variant is present in population databases (rs185699361, gnomAD 0.05%). This variant has not been reported in the literature in individuals affected with PCLO-related conditions. ClinVar contains an entry for this variant (Variation ID: 1334046). Experimental studies and prediction algorithms are not available or were not evaluated, and the functional significance of this variant is currently unknown. In summary, the available evidence is currently insufficient to determine the role of this variant in disease. Therefore, it has been classified as a Variant of Uncertain Significance.

CENTOGENE GmbH and LLC - Guiding Precision Medicine
Classification: Uncertain significance for Pontocerebellar hypoplasia type 3. Last evaluated: 2018-06-02. Review status: criteria provided, single submitter. Criteria: ACMG Guidelines, 2015. Collection method: clinical testing. Allele origin: germline. Affected: yes.